The following is an entry in ClinVar:

Single allele

Genes: CEP152 (centrosomal protein 152; minus strand), EID1 (EP300 interacting inhibitor of differentiation 1; plus strand), FBN1 (fibrillin 1; minus strand), SECISBP2L (SECIS binding protein 2 like; minus strand), SHC4 (SHC adaptor protein 4; minus strand). Cytogenetic location: 15q21.1.
Variant type: Deletion.
Identifiers: ClinVar variation 4279516 (VCV004279516.1).

ClinVar aggregate classification (germline): Pathogenic (1 of 4 stars; one submission).

Conditions:
Marfan syndrome (MFS). Also called: MARFAN SYNDROME, TYPE I; Marfan syndrome type 1; Marfan's syndrome; Marfan syndrome, classic; FBN1-Related Marfan Syndrome. Identifiers: Orphanet 284963, Orphanet 558, MedGen C0024796, MONDO:0007947, OMIM 154700.

Submission:

Centro de Genética y Biología Molecular, Universidad de San Martín de Porres
Classification: Pathogenic for Marfan syndrome. Last evaluated: 2025-01-20. Review status: criteria provided, single submitter. Criteria: ACMG Guidelines, 2015. Collection method: research. Allele origin: unknown. Inheritance: Autosomal dominant inheritance. Affected: yes.
Comment: It is classified as Pathogenic and was detected after CNVs analysis. Deletion comprises 5 coding genes: CEP152, EID1, SECISBP2L, SHC4 and exons 1 and 2 of the FBN1 gene.